The following is an entry in ClinVar:

NM_007363.5(NONO):c.344G>A (p.Arg115His)

Gene: NONO (non-POU domain containing octamer binding; plus strand). Cytogenetic location: Xq13.1.
Variant type: single nucleotide variant.
Coding change: c.344G>A on transcript NM_007363.5 (MANE Select); coding-DNA position 344, G replaced by A.
Protein change: p.Arg115His; replaces arginine 115 with histidine.
Molecular consequence: missense variant.
Genome position (GRCh38, 1-based): chrX:71,291,968, G>A. VCF-style: chrX-71291968-G-A. GRCh37 (hg19) VCF-style: chrX-70511818-G-A.
Other names: c.344G>A, p.Arg115His (NM_001145408.2, NM_001145409.2); c.77G>A, p.Arg26His (NM_001145410.2); short protein forms R115H, R26H.
Identifiers: ClinVar variation 4086086 (VCV004086086.2).

ClinVar aggregate classification (germline): Conflicting classifications of pathogenicity. Review status: criteria provided, conflicting classifications (1 of 4 stars). 2 submissions from 2 submitters: Pathogenic (1); Uncertain significance (1). Last evaluated 2025-09-09.

Conditions:
Intellectual developmental disorder, X-linked, syndromic 34. Also called: MENTAL RETARDATION, X-LINKED, SYNDROMIC, MIRCSOF-LANGOUET TYPE; Syndromic X-linked intellectual disability 34. Identifiers: Orphanet 466791, MedGen C4225417, MONDO:0010501, OMIM 300967.

Submissions (2):

Prenatal Diagnostic Center, Dongguan Maternal and Child Health Care Hospital
Classification: Uncertain significance for Intellectual developmental disorder, X-linked, syndromic 34. Last evaluated: 2025-09-09. Review status: criteria provided, single submitter. Criteria: ACMG Guidelines, 2015. Collection method: clinical testing. Allele origin: de novo. Inheritance: X-linked inheritance. Affected: yes. Observed: 1 heterozygote.
Comment: The Arg115 residue, located in the RRM1 domain, is highly conserved across species. This variant was absent in both the gnomAD and Exome Aggregation Consortium databases (PM2). The variant exhibited a high missense Z-score of 3.59 (>3.09) in gnomAD. Multiple in silico tools supported its pathogenicity, with AlphaMissense scoring 0.992 and predicting a deleterious effect (Strong), SIFT predicting the variant as damaging (score: 0.001), PROVEAN indicating it as deleterious (score: -4.08), MutationTaster predicting it as disease-causing, and CADD assigning a phred score of 24, suggesting potential deleterious effects. REVEL yielded a score of 0.42 with an uncertain prediction (PP3). The ΔΔG value was 0.39 (positive), indicating that the variant may reduce the protein's stability or binding affinity. Structural modeling of the missense-mutant protein revealed that the mutation disrupts two hydrogen bonds connecting the 115R and 102E residues, with the new amino acid 115H forming a new hydrogen bond with 74S. This modification reduces the number of hydrogen bonds between the 115 residue and 102E from three to one. The disruption of hydrogen bonds likely leads to instability in the local structure of the protein, which may in turn affect its function. XCI analysis, conducted to determine the XCI status, revealed extreme skewing (100%). Based on these findings, the variant c.344G>A (p.Arg115His) in NONO was classified as uncertain significance, according to the ACMG/AMP guidelines (PS2_ Moderate, PM2, PP3) (Richards et al., 2015).

GeneDx
Classification: Pathogenic. Last evaluated: 2025-05-19. Review status: criteria provided, single submitter. Criteria: GeneDx Variant Classification Process June 2021. Collection method: clinical testing. Allele origin: germline. Affected: yes.
Comment: Reported de novo in at least one female with a developmental disorder from large cohort studies, but detailed clinical information was not provided (PMID: 35982159, 33057194, 33504798); Not observed at significant frequency in large population cohorts (gnomAD); In silico analysis supports that this missense variant has a deleterious effect on protein structure/function; This variant is associated with the following publications: (PMID: 35982159, 33057194, 33504798)